The following is an entry in ClinVar:

NM_001378477.3(NYX):c.1150C>T (p.Pro384Ser)

Gene: NYX (nyctalopin; plus strand). Cytogenetic location: Xp11.4.
Variant type: single nucleotide variant.
Coding change: c.1150C>T on transcript NM_001378477.3 (MANE Select); coding-DNA position 1150, C replaced by T.
Protein change: p.Pro384Ser; replaces proline 384 with serine.
Molecular consequence: missense variant.
Genome position (GRCh38, 1-based): chrX:41,474,618, C>T. VCF-style: chrX-41474618-C-T. GRCh37 (hg19) VCF-style: chrX-41333871-C-T.
Other names: c.1150C>T, p.Pro384Ser (NM_022567.3); short protein forms P384S.
Identifiers: ClinVar variation 1471852 (VCV001471852.6), dbSNP rs1221854123, ClinGen allele CA412992887.

ClinVar aggregate classification (germline): Uncertain significance (1 of 4 stars; one submission).

Allele frequency attached by ClinVar (database versions not stated): TOPMed below 0.00001; gnomAD exomes 0.00003.
gnomAD v4.1: 4 of 1,199,882 alleles (0.00033%); highest among the groups gnomAD compares: Admixed American, 0.009%; no homozygotes.

Submission:

Labcorp Genetics (formerly Invitae), Labcorp
Classification: Uncertain significance. Last evaluated: 2024-02-23. Review status: criteria provided, single submitter. Criteria: Invitae Variant Classification Sherloc (09022015). Collection method: clinical testing. Allele origin: germline.
Comment: This sequence change replaces proline, which is neutral and non-polar, with serine, which is neutral and polar, at codon 389 of the NYX protein (p.Pro389Ser). This variant is present in population databases (no rsID available, gnomAD 0.02%). This variant has not been reported in the literature in individuals affected with NYX-related conditions. ClinVar contains an entry for this variant (Variation ID: 1471852). Advanced modeling of protein sequence and biophysical properties (such as structural, functional, and spatial information, amino acid conservation, physicochemical variation, residue mobility, and thermodynamic stability) performed at Invitae indicates that this missense variant is not expected to disrupt NYX protein function with a negative predictive value of 80%. In summary, the available evidence is currently insufficient to determine the role of this variant in disease. Therefore, it has been classified as a Variant of Uncertain Significance.